The following is an entry in ClinVar:

ClinVar aggregate classification (germline): Conflicting classifications of pathogenicity. Review status: criteria provided, conflicting classifications (1 of 4 stars). 2 submissions from 2 submitters: Uncertain significance (1); Likely benign (1). Last evaluated 2022-03-22.

Conditions:
Long QT syndrome (LQTS). Identifiers: MedGen C0023976, MeSH D008133, MONDO:0002442. Disease mechanism: loss of function. Inheritance: Various modes of inheritance.

Allele frequency attached by ClinVar (database versions not stated): gnomAD 0.00001; gnomAD exomes 0.00001 and 0.00002; ExAC 0.00004.
gnomAD v4.1: 11 of 1,613,900 alleles (0.00068%); highest among the groups gnomAD compares: Non-Finnish European, 0.00093%; no homozygotes.

Submissions (2):

Labcorp Genetics (formerly Invitae), Labcorp
Classification: Uncertain significance for Long QT syndrome. Last evaluated: 2022-03-22. Review status: criteria provided, single submitter. Criteria: Invitae Variant Classification Sherloc (09022015). Collection method: clinical testing. Allele origin: germline.
Comment: This variant has not been reported in the literature in individuals affected with AKAP9-related conditions. Algorithms developed to predict the effect of missense changes on protein structure and function output the following: SIFT: "Tolerated"; PolyPhen-2: "Benign"; Align-GVGD: "Class C0". The serine amino acid residue is found in multiple mammalian species, which suggests that this missense change does not adversely affect protein function. Algorithms developed to predict the effect of sequence changes on RNA splicing suggest that this variant may create or strengthen a splice site. This sequence change replaces asparagine, which is neutral and polar, with serine, which is neutral and polar, at codon 2725 of the AKAP9 protein (p.Asn2725Ser). This variant is present in population databases (rs778235746, gnomAD 0.004%). In summary, the available evidence is currently insufficient to determine the role of this variant in disease. Therefore, it has been classified as a Variant of Uncertain Significance.

Blueprint Genetics
Classification: Likely benign. Last evaluated: 2019-03-19. Review status: criteria provided, single submitter. Criteria: ACMG Guidelines, 2015. Collection method: clinical testing. Allele origin: germline.

NM_005751.5(AKAP9):c.8174A>G (p.Asn2725Ser)

Gene: AKAP9 (A-kinase anchoring protein 9; plus strand). Cytogenetic location: 7q21.2.
Variant type: single nucleotide variant.
Coding change: c.8174A>G on transcript NM_005751.5 (MANE Select); coding-DNA position 8174, A replaced by G.
Protein change: p.Asn2725Ser; replaces asparagine 2725 with serine.
Molecular consequence: missense variant.
Genome position (GRCh38, 1-based): chr7:92,083,183, A>G. VCF-style: chr7-92083183-A-G. GRCh37 (hg19) VCF-style: chr7-91712497-A-G.
Other names: c.2819A>G, p.Asn940Ser (NM_001379277.1); c.8150A>G, p.Asn2717Ser (NM_147185.3); short protein forms N940S, N2725S, N2717S.
Identifiers: ClinVar variation 1349121 (VCV001349121.7), dbSNP rs778235746, ClinGen allele CA4337444.